The following is an entry in ClinVar:

NM_201384.3(PLEC):c.6101G>C (p.Arg2034Pro)

Gene: PLEC (plectin; minus strand). Cytogenetic location: 8q24.3.
Variant type: single nucleotide variant.
Coding change: c.6101G>C on transcript NM_201384.3 (MANE Select); coding-DNA position 6101, G replaced by C.
Protein change: p.Arg2034Pro; replaces arginine 2034 with proline.
Molecular consequence: missense variant.
Genome position (GRCh38, 1-based): chr8:143,923,828, C>G on the plus strand (G>C on the coding strand, the complement: PLEC is on the minus strand). VCF-style: chr8-143923828-C-G. GRCh37 (hg19) VCF-style: chr8-144997996-C-G.
Other names: c.6182G>C, p.Arg2061Pro (NM_000445.5); c.6059G>C, p.Arg2020Pro (NM_201378.4); c.6035G>C, p.Arg2012Pro (NM_201379.3); c.6512G>C, p.Arg2171Pro (NM_201380.4); c.6005G>C, p.Arg2002Pro (NM_201381.3); c.6101G>C, p.Arg2034Pro (NM_201382.4); c.6113G>C, p.Arg2038Pro (NM_201383.3); short protein forms R2002P, R2012P, R2020P, R2034P, R2038P, R2061P, R2171P.
Identifiers: ClinVar variation 1709148 (VCV001709148.2), dbSNP rs782125805, ClinGen allele CA372539085.
Genomic context (GRCh38, chr8:143,923,828, plus strand): 5'-TGTGCCTTCTCTTCCGCCTGCAGCCGCTTCTGGGCGGCCTCCTGGGCCAGCTGCAGCTGC[C>G]GCGCCGACTCCTGCTCCGCTCGCTCCCGCAGGCGCCGCGCCTCCTCCACCTTGGCTTTCA-3'
Protein context (NP_958786.1, residues 2024-2044): LRERAEQESA[Arg2034Pro]QLQLAQEAAQ

ClinVar aggregate classification (germline): Uncertain significance (1 of 4 stars; one submission).

Conditions:
Autosomal recessive limb-girdle muscular dystrophy type 2Q (LGMDR17). Also called: MUSCULAR DYSTROPHY, LIMB-GIRDLE, AUTOSOMAL RECESSIVE 17. Identifiers: Orphanet 254361, MedGen C3150989, MONDO:0013390, OMIM 613723.

Submission:

MGZ Medical Genetics Center
Classification: Uncertain significance for Autosomal recessive limb-girdle muscular dystrophy type 2Q. Last evaluated: 2022-03-14. Review status: criteria provided, single submitter. Criteria: ACMG Guidelines, 2015. Collection method: clinical testing. Allele origin: germline. Affected: yes. Observed: 1 variant allele.
Comment: ACMG criteria applied: PM2_SUP